The following is an entry in ClinVar:

NM_004036.5(ADCY3):c.2077G>A (p.Ala693Thr)

Gene: ADCY3 (adenylate cyclase 3; minus strand). Cytogenetic location: 2p23.3.
Variant type: single nucleotide variant.
Coding change: c.2077G>A on transcript NM_004036.5 (MANE Select); coding-DNA position 2077, G replaced by A.
Protein change: p.Ala693Thr; replaces alanine 693 with threonine.
Molecular consequence: missense variant.
Genome position (GRCh38, 1-based): chr2:24,830,804, C>T on the plus strand (G>A on the coding strand, the complement: ADCY3 is on the minus strand). VCF-style: chr2-24830804-C-T. GRCh37 (hg19) VCF-style: chr2-25053673-C-T.
Other names: c.2077G>A, p.Ala693Thr (NM_001377129.1, NM_001377130.1, NM_001377132.1 and 1 more transcripts); c.1354G>A, p.Ala452Thr (NM_001377131.1); c.2077G>A (NM_001320613.1); c.2143G>A, p.Ala715Thr (NM_001377128.1); short protein forms A715T, A452T, A693T.
Identifiers: ClinVar variation 4569105 (VCV004569105.2).
Genomic context (GRCh38, chr2:24,830,804, plus strand): 5'-TGGCGAGCATGGCCCAGGTGTTCCTGGCCCAGCGGGTCCGGTCAATCCAAGTTGAGAAGG[C>T]CACAAGCTTCTTAGGAAAGGCCTAGAAGGAACAGAATTTCAAGGGCCATGAGCCTTTGCC-3'
Protein context (NP_004027.2, residues 683-703): FPRAFPKKLV[Ala693Thr]FSTWIDRTRW

ClinVar aggregate classification (germline): Uncertain significance. Review status: criteria provided, multiple submitters, no conflicts (2 of 4 stars). 2 submissions from 2 submitters: Uncertain significance (2). Last evaluated 2025-09-22.

Conditions:
Inborn genetic diseases. Identifiers: MedGen C0950123, MeSH D030342.
ADCY3-related disorder. Also called: ADCY3-related condition.

gnomAD v4.1: 18 of 1,613,840 alleles (0.0011%); highest among the groups gnomAD compares: African/African-American, 0.0027%; no homozygotes.

Submissions (2):

Ambry Genetics
Classification: Uncertain significance for Inborn genetic diseases. Last evaluated: 2025-09-22. Review status: criteria provided, single submitter. Criteria: Ambry Variant Classification Scheme 2023. Collection method: clinical testing. Allele origin: germline.

PreventionGenetics, part of Exact Sciences
Classification: Uncertain significance for ADCY3-related condition. Last evaluated: 2025-05-23. Review status: criteria provided, single submitter. Criteria: ACMG Guidelines, 2015. Collection method: clinical testing. Allele origin: germline.
Comment: The ADCY3 c.2077G>A variant is predicted to result in the amino acid substitution p.Ala693Thr. To our knowledge, this variant has not been reported in the literature. This variant is reported in 0.0050% of alleles in individuals of East Asian descent in gnomAD. At this time, the clinical significance of this variant is uncertain due to the absence of conclusive functional and genetic evidence.